The following is an entry in ClinVar:

NM_000062.3(SERPING1):c.1289T>G (p.Leu430Arg)

Gene: SERPING1 (serpin family G member 1; plus strand). Cytogenetic location: 11q12.1.
Variant type: single nucleotide variant.
Coding change: c.1289T>G on transcript NM_000062.3 (MANE Select); coding-DNA position 1289, T replaced by G.
Protein change: p.Leu430Arg; replaces leucine 430 with arginine.
Molecular consequence: missense variant.
Genome position (GRCh38, 1-based): chr11:57,614,367, T>G. VCF-style: chr11-57614367-T-G. GRCh37 (hg19) VCF-style: chr11-57381840-T-G.
Other names: c.1289T>G, p.Leu430Arg (NM_001032295.2); short protein forms L430R.
Identifiers: ClinVar variation 1299736 (VCV001299736.4), dbSNP rs281875174, ClinGen allele CA380690323.
Genomic context (GRCh38, chr11:57,614,367, plus strand): 5'-TTTTCTCTGGTTTTGCCCTAGAATTCTTCGATTTTTCTTATGACCTTAACCTGTGTGGGC[T>G]GACAGAGGACCCAGATCTTCAGGTTTCTGCGATGCAGCACCAGACAGTGCTGGAACTGAC-3'
Protein context (NP_000053.2, residues 420-440): DFSYDLNLCG[Leu430Arg]TEDPDLQVSA

ClinVar aggregate classification (germline): Pathogenic. Review status: criteria provided, single submitter (1 of 4 stars). 2 submissions from 2 submitters: Pathogenic (1). 1 of the submissions does not count toward it. Last evaluated 2024-07-06.

Conditions:
Hereditary angioedema type 1 (HAE1). Identifiers: Orphanet 100050, Orphanet 100051, Orphanet 91378, MedGen C2717906, MONDO:0015053, OMIM 106100.
Hereditary angioedema with C1Inh deficiency. Identifiers: Orphanet 528623, MedGen C4552294, MONDO:0033946.

Submissions (2):

DNA-diagnostics Laboratory, Research Centre For Medical Genetics
Classification: Pathogenic for Hereditary angioedema type 1. Last evaluated: 2024-07-06. Review status: criteria provided, single submitter. Criteria: ACMG Guidelines, 2015. Collection method: research. Allele origin: germline. Inheritance: Autosomal dominant inheritance. Affected: yes. Observed: 2 variant alleles, 2 heterozygotes.
Comment: According to our observation and published information (ClinVar Submission SCV001977582.1) the c.1289T>G variant in SERPING1 meets ACMG/ClinGen SVI guidance criteria to be classified as pathogenic: PP4_Str, PS4_Mod, PP3_Mod, PM2_Sup, PP2

Peking Union Medical College Hospital
Classification: Likely pathogenic for Hereditary angioedema with C1Inh deficiency. Last evaluated: 2021-09-25. Review status: no assertion criteria provided. Collection method: research. Allele origin: unknown. Affected: yes. Not counted in ClinVar's aggregate classification.